The following is an entry in ClinVar:

ClinVar aggregate classification (germline): Uncertain significance (1 of 4 stars; one submission).

Conditions:
Pheochromocytoma/paraganglioma syndrome 4. Also called: PARAGANGLIOMA, FAMILIAL MALIGNANT; PARAGANGLIOMAS, HEREDITARY EXTRAADRENAL; PHEOCHROMOCYTOMA, FAMILIAL EXTRAADRENAL; Paragangliomas 4; CAROTID BODY TUMORS AND MULTIPLE EXTRAADRENAL PHEOCHROMOCYTOMAS; SDHB-Related Hereditary Paraganglioma-Pheochromocytoma Syndrome (Paragangliomas 4). Identifiers: Orphanet 29072, MedGen C1861848, MONDO:0007273, OMIM 115310.
Gastrointestinal stromal tumor. Also called: Gastrointestinal stroma tumor; Gastrointestinal stromal tumor, somatic. Identifiers: Orphanet 44890, MedGen C0238198, MeSH D046152, MONDO:0011719, OMIM 606764, HP:0100723.
Pheochromocytoma. Also called: MAX-Related Hereditary Paraganglioma-Pheochromocytoma Syndrome. Identifiers: Orphanet 29072, MedGen C0031511, MONDO:0008233, OMIM 171300, HP:0002666.

Submission:

Labcorp Genetics (formerly Invitae), Labcorp
Classification: Uncertain significance for Gastrointestinal stromal tumor; Pheochromocytoma/paraganglioma syndrome 4; Pheochromocytoma. Last evaluated: 2016-11-28. Review status: criteria provided, single submitter. Criteria: Invitae Variant Classification Sherloc (09022015). Collection method: clinical testing. Allele origin: germline.
Comment: A gross duplication of the genomic region encompassing the full coding sequence of the SDHB gene has been identified. The boundaries of this event are unknown as the duplication extends beyond the assayed region for this gene and therefore may encompass additional genes. As the precise location of this duplication is unknown, it may be in tandem or it may be located elsewhere in the genome. This gross duplication has not been reported in the literature in individuals with an SDHB-related disease. Experimental studies and prediction algorithms are not available for this variant, and the functional significance of this duplication is currently unknown. In summary, the exact genomic location of this variant is unknown and the impact of this duplication on SDHB protein function has not been established. Therefore, it has been classified as a Variant of Uncertain Significance.

NC_000001.10:g.(?_17345217)_(17380665_?)dup

Genes: SDHB (succinate dehydrogenase complex iron sulfur subunit B; minus strand), LOC129929541 (ATAC-STARR-seq lymphoblastoid active region 276; plus strand), LOC129929542 (ATAC-STARR-seq lymphoblastoid active region 277; plus strand). Cytogenetic location: 1p36.13.
Variant type: Duplication.
Identifiers: ClinVar variation 417580 (VCV000417580.1).